The following is an entry in ClinVar:

ClinVar aggregate classification (germline): Uncertain significance. Review status: criteria provided, multiple submitters, no conflicts (2 of 4 stars). 4 submissions from 4 submitters: Uncertain significance (4). Last evaluated 2025-11-05.

Conditions:
Hereditary cancer-predisposing syndrome. Also called: Tumor predisposition; Hereditary neoplastic syndrome; Neoplastic Syndromes, Hereditary; Hereditary Cancer Syndrome. Identifiers: Orphanet 140162, MedGen C0027672, MeSH D009386, MONDO:0015356.
Multiple endocrine neoplasia, type 2 (MEN2). Identifiers: Orphanet 653, MedGen C4048306, MONDO:0019003. Disease mechanism: gain of function.

Allele frequency attached by ClinVar (database versions not stated): gnomAD exomes below 0.00001; gnomAD 0.00001; TOPMed 0.00001.
gnomAD v4.1: 2 of 1,612,858 alleles (0.00012%); highest among the groups gnomAD compares: Admixed American, 0.0017%; no homozygotes.

Submissions (4):

Labcorp Genetics (formerly Invitae), Labcorp
Classification: Uncertain significance for Multiple endocrine neoplasia, type 2. Last evaluated: 2025-11-05. Review status: criteria provided, single submitter. Criteria: Invitae Variant Classification Sherloc (09022015). Collection method: clinical testing. Allele origin: germline.
Comment: This sequence change replaces serine, which is neutral and polar, with phenylalanine, which is neutral and non-polar, at codon 689 of the RET protein (p.Ser689Phe). The frequency data for this variant in the population databases is considered unreliable, as metrics indicate poor data quality at this position in the gnomAD database. This variant has not been reported in the literature in individuals affected with RET-related conditions. ClinVar contains an entry for this variant (Variation ID: 664562). An algorithm developed to predict the effect of missense changes on protein structure and function (PolyPhen-2) suggests that this variant is likely to be disruptive. In summary, the available evidence is currently insufficient to determine the role of this variant in disease. Therefore, it has been classified as a Variant of Uncertain Significance.

All of Us Research Program, National Institutes of Health
Classification: Uncertain significance for Multiple endocrine neoplasia, type 2. Last evaluated: 2024-02-22. Review status: criteria provided, single submitter. Criteria: ACMG Guidelines, 2015. Collection method: clinical testing. Allele origin: germline. Inheritance: Autosomal dominant inheritance. Observed: 1 variant allele, 1 heterozygote.
Comment: This missense variant replaces serine with phenylalanine at codon 689 of the RET protein. Computational prediction suggests that this variant may not impact protein structure and function (internally defined REVEL score threshold <= 0.5, PMID: 27666373). To our knowledge, functional studies have not been reported for this variant. This variant has not been reported in individuals affected with RET-related disorders in the literature. This variant has been identified in 2/281728 chromosomes in the general population by the Genome Aggregation Database (gnomAD). The available evidence is insufficient to determine the role of this variant in disease conclusively. Therefore, this variant is classified as a Variant of Uncertain Significance.

This study involves interpretation of variants in research participants for the purpose of population health screening. Participant phenotype was not available at the time of variant classification. Additional details can be found in publication PMID: 35346344, PMCID: PMC8962531

Color Diagnostics, LLC DBA Color Health
Classification: Uncertain significance for Multiple endocrine neoplasia, type 2. Last evaluated: 2024-02-14. Review status: criteria provided, single submitter. Criteria: ACMG Guidelines, 2015. Collection method: clinical testing. Allele origin: germline.
Comment: This missense variant replaces serine with phenylalanine at codon 689 of the RET protein. Computational prediction suggests that this variant may not impact protein structure and function. To our knowledge, functional studies have not been reported for this variant. This variant has not been reported in individuals affected with RET-related disorders in the literature. This variant has been identified in 2/281728 chromosomes in the general population by the Genome Aggregation Database (gnomAD). The available evidence is insufficient to determine the role of this variant in disease conclusively. Therefore, this variant is classified as a Variant of Uncertain Significance.

Ambry Genetics
Classification: Uncertain significance for Hereditary cancer-predisposing syndrome. Last evaluated: 2022-11-20. Review status: criteria provided, single submitter. Criteria: Ambry Variant Classification Scheme 2023. Collection method: clinical testing. Allele origin: germline.
Comment: The p.S689F variant (also known as c.2066C>T), located in coding exon 11 of the RET gene, results from a C to T substitution at nucleotide position 2066. The serine at codon 689 is replaced by phenylalanine, an amino acid with highly dissimilar properties. This amino acid position is conserved. In addition, the in silico prediction for this alteration is inconclusive. Since supporting evidence is limited at this time, the clinical significance of this alteration remains unclear.

NM_020975.6(RET):c.2066C>T (p.Ser689Phe)

Gene: RET (ret proto-oncogene; plus strand). Cytogenetic location: 10q11.21.
Variant type: single nucleotide variant.
Coding change: c.2066C>T on transcript NM_020975.6 (MANE Select); coding-DNA position 2066, C replaced by T.
Protein change: p.Ser689Phe; replaces serine 689 with phenylalanine.
Molecular consequence: missense variant.
Genome position (GRCh38, 1-based): chr10:43,114,666, C>T. VCF-style: chr10-43114666-C-T. GRCh37 (hg19) VCF-style: chr10-43610114-C-T.
Other names: c.2066C>T, p.Ser689Phe (NM_000323.2, NM_001406743.1, NM_001406744.1 and 4 more transcripts); c.1304C>T, p.Ser435Phe (NM_001355216.2); c.1937C>T, p.Ser646Phe (NM_001406761.1, NM_001406762.1, NM_001406764.1); c.1931C>T, p.Ser644Phe (NM_001406763.1, NM_001406765.1); c.1778C>T, p.Ser593Phe (NM_001406766.1, NM_001406767.1, NM_001406770.1); c.1802C>T, p.Ser601Phe (NM_001406768.1); c.1670C>T, p.Ser557Phe (NM_001406769.1, NM_001406772.1); c.1628C>T, p.Ser543Phe (NM_001406771.1, NM_001406773.1); and 10 more; short protein forms S435F, S689F, S254F, S390F, S601F, S294F, S347F, S359F.
Identifiers: ClinVar variation 664562 (VCV000664562.12), dbSNP rs989429215, ClinGen allele CA206262978.
Genomic context (GRCh38, chr10:43,114,666, plus strand): 5'-TCTCCTCAGCTGAGATGACCTTCCGGAGGCCCGCCCAGGCCTTCCCGGTCAGCTACTCCT[C>T]TTCCGGTGCCCGCCGGCCCTCGCTGGACTCCATGGAGAACCAGGTCTCCGTGGATGCCTT-3'
Protein context (NP_066124.1, residues 679-699): PAQAFPVSYS[Ser689Phe]SGARRPSLDS